The following is an entry in ClinVar:

NM_001267550.2(TTN):c.95649G>A (p.Val31883=)

Genes: TTN (titin; minus strand), TTN-AS1 (TTN antisense RNA 1; plus strand). Cytogenetic location: 2q31.2.
Variant type: single nucleotide variant.
Coding change: c.95649G>A on transcript NM_001267550.2 (MANE Select); coding-DNA position 95649, G replaced by A.
Protein change: p.Val31883=; no amino-acid change (valine 31883 retained).
Molecular consequence: synonymous variant.
Genome position (GRCh38, 1-based): chr2:178,545,461, C>T on the plus strand (G>A on the coding strand, the complement: TTN is on the minus strand). VCF-style: chr2-178545461-C-T. GRCh37 (hg19) VCF-style: chr2-179410188-C-T.
Other names: c.90726G>A, p.Val30242= (NM_001256850.1); c.68454G>A, p.Val22818= (NM_003319.4); c.87945G>A, p.Val29315= (NM_133378.4); c.68829G>A, p.Val22943= (NM_133432.3); c.69030G>A, p.Val23010= (NM_133437.4).
Identifiers: ClinVar variation 501809 (VCV000501809.12), dbSNP rs1553520236, ClinGen allele CA430101461.

ClinVar aggregate classification (germline): Conflicting classifications of pathogenicity. Review status: criteria provided, conflicting classifications (1 of 4 stars). 4 submissions from 4 submitters: Uncertain significance (1); Likely benign (3). Last evaluated 2026-06-26.

Conditions:
Cardiovascular phenotype. Identifiers: MedGen CN230736.
Autosomal recessive limb-girdle muscular dystrophy type 2J (LGMDR10). Also called: Limb-girdle muscular dystrophy, type 2J; MUSCULAR DYSTROPHY, LIMB-GIRDLE, AUTOSOMAL RECESSIVE 10. Identifiers: Orphanet 140922, MedGen C1837342, MONDO:0012127, OMIM 608807.
Dilated cardiomyopathy 1G (CMD1G). Identifiers: Orphanet 154, MedGen C1858763, MONDO:0011400, OMIM 604145.
TTN-related disorder. Also called: TTN-related condition; TTN-related disease; TTN-related disorders.

Allele frequency attached by ClinVar (database versions not stated): gnomAD 0.00001; TOPMed 0.00001.
gnomAD v4.1: 1 of 1,611,892 alleles (0.000062%); highest among the groups gnomAD compares: African/African-American, 0.0013%; no homozygotes.

Submissions (4):

PreventionGenetics, part of Exact Sciences
Classification: Likely benign for TTN-related condition. Last evaluated: 2026-06-26. Review status: criteria provided, single submitter. Criteria: ACMG Guidelines, 2015. Collection method: clinical testing. Allele origin: germline.
Comment: This variant is classified as likely benign based on ACMG/AMP sequence variant interpretation guidelines (Richards et al. 2015 PMID: 25741868, with internal and published modifications).

Labcorp Genetics (formerly Invitae), Labcorp
Classification: Likely benign for Dilated cardiomyopathy 1G; Autosomal recessive limb-girdle muscular dystrophy type 2J. Last evaluated: 2025-05-05. Review status: criteria provided, single submitter. Criteria: Invitae Variant Classification Sherloc (09022015). Collection method: clinical testing. Allele origin: germline.

Ambry Genetics
Classification: Likely benign for Cardiovascular phenotype. Last evaluated: 2022-11-15. Review status: criteria provided, single submitter. Criteria: Ambry Variant Classification Scheme 2023. Collection method: clinical testing. Allele origin: germline.

Eurofins Ntd Llc (ga)
Classification: Uncertain significance. Last evaluated: 2017-05-03. Review status: criteria provided, single submitter. Criteria: EGL Classification Definitions 2015. Collection method: clinical testing. Allele origin: germline. Observed: 1 variant allele, 1 heterozygote.